The following is an entry in ClinVar:

ClinVar aggregate classification (germline): Pathogenic (1 of 4 stars; one submission).

Conditions:
Peroxisome biogenesis disorder 5A (Zellweger) (PBD5A). Identifiers: Orphanet 912, MedGen C3553940, MONDO:0013932, OMIM 614866.

Submission:

Labcorp Genetics (formerly Invitae), Labcorp
Classification: Pathogenic for Peroxisome biogenesis disorder 5A (Zellweger). Last evaluated: 2023-02-16. Review status: criteria provided, single submitter. Criteria: Invitae Variant Classification Sherloc (09022015). Collection method: clinical testing. Allele origin: germline.
Comment: This sequence change creates a premature translational stop signal (p.Phe157Serfs*10) in the PEX2 gene. While this is not anticipated to result in nonsense mediated decay, it is expected to disrupt the last 149 amino acid(s) of the PEX2 protein. This variant is not present in population databases (gnomAD no frequency). This variant has not been reported in the literature in individuals affected with PEX2-related conditions. This variant disrupts a region of the PEX2 protein in which other variant(s) (p.Leu207Serfs*10) have been determined to be pathogenic (Invitae). This suggests that this is a clinically significant region of the protein, and that variants that disrupt it are likely to be disease-causing. For these reasons, this variant has been classified as Pathogenic.

NM_000318.3(PEX2):c.470del (p.Phe157fs)

Gene: PEX2 (peroxisomal biogenesis factor 2; minus strand). Cytogenetic location: 8q21.13.
Variant type: Deletion.
Coding change: c.470del on transcript NM_000318.3 (MANE Select); coding-DNA position 470, one base deleted (T; older notation c.470delT).
Protein change: p.Phe157fs; shifts the reading frame from phenylalanine 157.
Molecular consequence: frameshift variant.
Genome position (GRCh38, 1-based): chr8:76,983,709, A deleted on the plus strand (T on the coding strand, the reverse complement: PEX2 is on the minus strand); the first of 4 consecutive A bases (chr8:76,983,709-76,983,712); deleting any one gives the same sequence. VCF-style (leftmost placement, unchanged base first): chr8-76983708-GA-G. GRCh37 (hg19) VCF-style: chr8-77895944-GA-G.
Other names: c.470del, p.Phe157fs (NM_001079867.2, NM_001172086.2, NM_001172087.2); short protein forms F157fs.
Identifiers: ClinVar variation 2838200 (VCV002838200.3), dbSNP rs2487452030, ClinGen allele CA2739268832.